The following is an entry in ClinVar:

NM_001365951.3(KIF1B):c.4858T>C (p.Ser1620Pro)

Gene: KIF1B (kinesin family member 1B; plus strand). Cytogenetic location: 1p36.22.
Variant type: single nucleotide variant.
Coding change: c.4858T>C on transcript NM_001365951.3 (MANE Select); coding-DNA position 4858, T replaced by C.
Protein change: p.Ser1620Pro; replaces serine 1620 with proline.
Molecular consequence: missense variant.
Genome position (GRCh38, 1-based): chr1:10,371,174, T>C. VCF-style: chr1-10371174-T-C. GRCh37 (hg19) VCF-style: chr1-10431232-T-C.
Other names: c.4858T>C, p.Ser1620Pro (NM_001365952.1); c.4720T>C, p.Ser1574Pro (NM_015074.3); short protein forms S1574P, S1620P.
Identifiers: ClinVar variation 2165058 (VCV002165058.5), dbSNP rs1638722137, ClinGen allele CA338327383.

ClinVar aggregate classification (germline): Uncertain significance. Review status: criteria provided, multiple submitters, no conflicts (2 of 4 stars). 2 submissions from 2 submitters: Uncertain significance (2). Last evaluated 2024-10-25.

Conditions:
Charcot-Marie-Tooth disease type 2. Also called: Charcot-Marie-Tooth type 2. Identifiers: Orphanet 64746, MedGen C0270914, MONDO:0018993.

Allele frequency attached by ClinVar (database versions not stated): gnomAD exomes below 0.00001; TOPMed 0.00001.
gnomAD v4.1: 1 of 1,614,140 alleles (0.000062%); highest among the groups gnomAD compares: East Asian, 0.0022%; no homozygotes.

Submissions (2):

Ambry Genetics
Classification: Uncertain significance. Last evaluated: 2024-10-25. Review status: criteria provided, single submitter. Criteria: Ambry Variant Classification Scheme 2023. Collection method: clinical testing. Allele origin: germline.
Comment: The p.S1574P variant (also known as c.4720T>C), located in coding exon 42 of the KIF1B gene, results from a T to C substitution at nucleotide position 4720. The serine at codon 1574 is replaced by proline, an amino acid with similar properties. This amino acid position is conserved. In addition, the in silico prediction for this alteration is inconclusive. Based on the available evidence, the clinical significance of this variant remains unclear.

Labcorp Genetics (formerly Invitae), Labcorp
Classification: Uncertain significance for Charcot-Marie-Tooth disease type 2. Last evaluated: 2022-10-19. Review status: criteria provided, single submitter. Criteria: Invitae Variant Classification Sherloc (09022015). Collection method: clinical testing. Allele origin: germline.
Comment: In summary, the available evidence is currently insufficient to determine the role of this variant in disease. Therefore, it has been classified as a Variant of Uncertain Significance. Algorithms developed to predict the effect of missense changes on protein structure and function are either unavailable or do not agree on the potential impact of this missense change (SIFT: "Tolerated"; PolyPhen-2: "Probably Damaging"; Align-GVGD: "Class C0"). This variant has not been reported in the literature in individuals affected with KIF1B-related conditions. This variant is not present in population databases (gnomAD no frequency). This sequence change replaces serine, which is neutral and polar, with proline, which is neutral and non-polar, at codon 1574 of the KIF1B protein (p.Ser1574Pro).